The following is an entry in ClinVar:

NM_017570.5(OPLAH):c.212C>G (p.Ser71Cys)

Gene: OPLAH (5-oxoprolinase, ATP-hydrolysing; minus strand). Cytogenetic location: 8q24.3.
Variant type: single nucleotide variant.
Coding change: c.212C>G on transcript NM_017570.5 (MANE Select); coding-DNA position 212, C replaced by G.
Protein change: p.Ser71Cys; replaces serine 71 with cysteine.
Molecular consequence: missense variant.
Genome position (GRCh38, 1-based): chr8:144,059,750, G>C on the plus strand (C>G on the coding strand, the complement: OPLAH is on the minus strand). VCF-style: chr8-144059750-G-C. GRCh37 (hg19) VCF-style: chr8-145114653-G-C.
Other names: c.212C>G (NM_017570.3); short protein forms S71C.
Identifiers: ClinVar variation 1355848 (VCV001355848.11), dbSNP rs782130905, ClinGen allele CA4932353.

ClinVar aggregate classification (germline): Uncertain significance. Review status: criteria provided, multiple submitters, no conflicts (2 of 4 stars). 3 submissions from 3 submitters: Uncertain significance (3). Last evaluated 2025-04-10.

Conditions:
5-Oxoprolinase deficiency (OPLAHD). Also called: 5-OXOPROLINURIA DUE TO 5-OXOPROLINASE DEFICIENCY. Identifiers: Orphanet 33572, MedGen C0268525, MONDO:0009825, OMIM 260005, HP:0040142.

Allele frequency attached by ClinVar (database versions not stated): ExAC 0.00003; gnomAD exomes 0.00004; TOPMed 0.00004; gnomAD 0.00005.
gnomAD v4.1: 63 of 1,609,902 alleles (0.0039%); highest among the groups gnomAD compares: Admixed American, 0.0067%; no homozygotes.

Submissions (3):

Ambry Genetics
Classification: Uncertain significance. Last evaluated: 2025-04-10. Review status: criteria provided, single submitter. Criteria: Ambry Variant Classification Scheme 2023. Collection method: clinical testing. Allele origin: germline.

Fulgent Genetics
Classification: Uncertain significance for 5-Oxoprolinase deficiency. Last evaluated: 2022-02-24. Review status: criteria provided, single submitter. Criteria: ACMG Guidelines, 2015. Collection method: clinical testing. Allele origin: unknown.

Labcorp Genetics (formerly Invitae), Labcorp
Classification: Uncertain significance for 5-Oxoprolinase deficiency. Last evaluated: 2021-12-03. Review status: criteria provided, single submitter. Criteria: Invitae Variant Classification Sherloc (09022015). Collection method: clinical testing. Allele origin: germline.
Comment: This sequence change replaces serine, which is neutral and polar, with cysteine, which is neutral and slightly polar, at codon 71 of the OPLAH protein (p.Ser71Cys). This variant is present in population databases (rs782130905, gnomAD 0.008%). This variant has not been reported in the literature in individuals affected with OPLAH-related conditions. Algorithms developed to predict the effect of missense changes on protein structure and function are either unavailable or do not agree on the potential impact of this missense change (SIFT: "Not Available"; PolyPhen-2: "Benign"; Align-GVGD: "Not Available"). In summary, the available evidence is currently insufficient to determine the role of this variant in disease. Therefore, it has been classified as a Variant of Uncertain Significance.